The following is an entry in ClinVar:

ClinVar aggregate classification (germline): Pathogenic (1 of 4 stars; one submission).

Conditions:
Charcot-Marie-Tooth disease type 4C (CMT4C). Also called: CMT 4C; Charcot-Marie-Tooth Neuropathy Type 4C (CMT4C); CHARCOT-MARIE-TOOTH DISEASE, DEMYELINATING, TYPE 4C; SH3TC2-Related Hereditary Motor and Sensory Neuropathy; CHARCOT-MARIE-TOOTH DISEASE, DEMYELINATING, AUTOSOMAL RECESSIVE, TYPE 4C. Identifiers: Orphanet 99949, MedGen C1866636, MONDO:0011113, OMIM 601596.

Submission:

Laboratory of Applied Genomics, Kongju National University
Classification: Pathogenic for Charcot-Marie-Tooth disease type 4C. Last evaluated: 2020-11-01. Review status: criteria provided, single submitter. Criteria: ACMG Guidelines, 2015. Collection method: clinical testing. Allele origin: germline. Affected: yes.
Comment: Recessive condition

NM_024577.4(SH3TC2):c.2599C>T (p.Gln867Ter)

Gene: SH3TC2 (SH3 domain and tetratricopeptide repeats 2; minus strand). Cytogenetic location: 5q32.
Variant type: single nucleotide variant.
Coding change: c.2599C>T on transcript NM_024577.4 (MANE Select); coding-DNA position 2599, C replaced by T.
Protein change: p.Gln867Ter; replaces glutamine 867 with a stop codon.
Molecular consequence: nonsense.
Genome position (GRCh38, 1-based): chr5:149,027,133, G>A on the plus strand (C>T on the coding strand, the complement: SH3TC2 is on the minus strand). VCF-style: chr5-149027133-G-A. GRCh37 (hg19) VCF-style: chr5-148406696-G-A.
Other names: short protein forms Q867*.
Identifiers: ClinVar variation 1172758 (VCV001172758.1), dbSNP rs2127397072, ClinGen allele CA361666036.
Genomic context (GRCh38, chr5:149,027,133, plus strand): 5'-GGCTCAGGTGGCCAAGATTGGCCATAGCCACTGCCTGGTTATGCACATCTCCCACCTCCT[G>A]GGCTCTGTTCAAGGCCCGAAGATAGCTCTTGGCTGCCCTGTTCACCCGGCCTTCACCTTG-3'